The following is an entry in ClinVar:

ClinVar aggregate classification (germline): Likely benign (1 of 4 stars; one submission).

Submission:

CeGaT Center for Human Genetics Tuebingen
Classification: Likely benign. Last evaluated: 2025-09-01. Review status: criteria provided, single submitter. Criteria: CeGaT Center For Human Genetics Tuebingen Variant Classification Criteria Version 2. Collection method: clinical testing. Allele origin: germline. Affected: yes. Observed: 1 variant allele.
Comment: FCGBP: PM2:Supporting, BP4, BP7

NM_003890.3(FCGBP):c.5982G>A (p.Val1994=)

Gene: FCGBP (Fc gamma binding protein; minus strand). Cytogenetic location: 19q13.2.
Variant type: single nucleotide variant.
Coding change: c.5982G>A on transcript NM_003890.3 (MANE Select); coding-DNA position 5982, G replaced by A.
Protein change: p.Val1994=; no amino-acid change (valine 1994 retained).
Molecular consequence: synonymous variant.
Identifiers: ClinVar variation 4281208 (VCV004281208.4).
Protein context (NP_003881.2, residues 1984-2004): VEGCQCDAGF[Val1994=]LSADRCVPLN